The following is an entry in ClinVar:

ClinVar aggregate classification (germline): Uncertain significance. Review status: criteria provided, multiple submitters, no conflicts (2 of 4 stars). 2 submissions from 2 submitters: Uncertain significance (2). Last evaluated 2025-08-05.

Conditions:
Cardiovascular phenotype. Identifiers: MedGen CN230736.

Allele frequency attached by ClinVar (database versions not stated): gnomAD exomes below 0.00001; gnomAD 0.00002; ExAC 0.00003; TOPMed 0.00004.

Submissions (2):

Ambry Genetics
Classification: Uncertain significance for Cardiovascular phenotype. Last evaluated: 2025-08-05. Review status: criteria provided, single submitter. Criteria: Ambry Variant Classification Scheme 2023. Collection method: clinical testing. Allele origin: germline.

Women's Health and Genetics/Laboratory Corporation of America, LabCorp
Classification: Uncertain significance. Last evaluated: 2025-03-03. Review status: criteria provided, single submitter. Criteria: LabCorp Variant Classification Summary - May 2015. Collection method: clinical testing. Allele origin: germline.
Comment: Variant summary: TNXB c.3886A>G (p.Lys1296Glu) results in a conservative amino acid change located in the Fibronectin type-III domain (IPR003961) of the encoded protein sequence. Three of four in-silico tools predict a benign effect of the variant on protein function. The variant allele was found at a frequency of 4.2e-06 in 238570 control chromosomes. The available data on variant occurrences in the general population are insufficient to allow any conclusion about variant significance. To our knowledge, no occurrence of c.3886A>G in individuals affected with Ehlers-Danlos syndrome due to tenascin-X deficiency and no experimental evidence demonstrating its impact on protein function have been reported. ClinVar contains an entry for this variant (Variation ID: 1735838). Based on the evidence outlined above, the variant was classified as uncertain significance.

NM_001365276.2(TNXB):c.3886A>G (p.Lys1296Glu)

Gene: TNXB (tenascin XB; minus strand). Cytogenetic location: 6p21.33.
Variant type: single nucleotide variant.
Coding change: c.3886A>G on transcript NM_001365276.2 (MANE Select); coding-DNA position 3886, A replaced by G.
Protein change: p.Lys1296Glu; replaces lysine 1296 with glutamic acid.
Molecular consequence: missense variant.
Genome position (GRCh38, 1-based): chr6:32,081,524, T>C on the plus strand (A>G on the coding strand, the complement: TNXB is on the minus strand). VCF-style: chr6-32081524-T-C. GRCh37 (hg19) VCF-style: chr6-32049301-T-C.
Other names: c.3886A>G, p.Lys1296Glu (NM_019105.8); short protein forms K1296E.
Identifiers: ClinVar variation 1735838 (VCV001735838.5), dbSNP rs770850741, ClinGen allele CA3735086.
Genomic context (GRCh38, chr6:32,081,524, plus strand): 5'-CAGTAACCTCATTCTCATCCCCCGCAACAGGCACTGCCTGGGGCTGCCCCTGTGCATCCT[T>C]GTACTGGACCATGAATGAGTCGAAGGGGCCCTGGGCCACTGTCCATGAGAGACGCAAGGA-3'
Protein context (NP_001352205.1, residues 1286-1306): GPFDSFMVQY[Lys1296Glu]DAQGQPQAVP